The following is an entry in ClinVar:

NM_000540.3(RYR1):c.5317C>G (p.Pro1773Ala)

Gene: RYR1 (ryanodine receptor 1; plus strand). Cytogenetic location: 19q13.2.
Variant type: single nucleotide variant.
Coding change: c.5317C>G on transcript NM_000540.3 (MANE Select); coding-DNA position 5317, C replaced by G.
Protein change: p.Pro1773Ala; replaces proline 1773 with alanine.
Molecular consequence: missense variant.
Genome position (GRCh38, 1-based): chr19:38,485,972, C>G. VCF-style: chr19-38485972-C-G. GRCh37 (hg19) VCF-style: chr19-38976612-C-G.
Other names: c.5317C>G, p.Pro1773Ala (NM_001042723.2); short protein forms P1773A.
Identifiers: ClinVar variation 934558 (VCV000934558.9), dbSNP rs192863857, ClinGen allele CA405654644.

ClinVar aggregate classification (germline): Uncertain significance (1 of 4 stars; one submission).

Conditions:
RYR1-related disorder. Also called: RYR1-related disorders; RYR1-related condition. Identifiers: MedGen CN239331.

Submission:

Labcorp Genetics (formerly Invitae), Labcorp
Classification: Uncertain significance for RYR1-related disorder. Last evaluated: 2022-02-11. Review status: criteria provided, single submitter. Criteria: Invitae Variant Classification Sherloc (09022015). Collection method: clinical testing. Allele origin: germline.
Comment: In summary, the available evidence is currently insufficient to determine the role of this variant in disease. Therefore, it has been classified as a Variant of Uncertain Significance. Algorithms developed to predict the effect of missense changes on protein structure and function are either unavailable or do not agree on the potential impact of this missense change (SIFT: "Deleterious"; PolyPhen-2: "Probably Damaging"; Align-GVGD: "Class C0"). ClinVar contains an entry for this variant (Variation ID: 934558). This variant has not been reported in the literature in individuals affected with RYR1-related conditions. This variant is not present in population databases (gnomAD no frequency). This sequence change replaces proline, which is neutral and non-polar, with alanine, which is neutral and non-polar, at codon 1773 of the RYR1 protein (p.Pro1773Ala).